The following is an entry in ClinVar:

NM_001101.5(ACTB):c.804C>T (p.Gly268=)

Gene: ACTB (actin beta; minus strand). Cytogenetic location: 7p22.1.
Variant type: single nucleotide variant.
Coding change: c.804C>T on transcript NM_001101.5 (MANE Select); coding-DNA position 804, C replaced by T.
Protein change: p.Gly268=; no amino-acid change (glycine 268 retained).
Molecular consequence: synonymous variant.
Genome position (GRCh38, 1-based): chr7:5,528,184, G>A on the plus strand (C>T on the coding strand, the complement: ACTB is on the minus strand). VCF-style: chr7-5528184-G-A. GRCh37 (hg19) VCF-style: chr7-5567815-G-A.
Identifiers: ClinVar variation 1216440 (VCV001216440.38), dbSNP rs770089307, ClinGen allele CA4146912.

ClinVar aggregate classification (germline): Conflicting classifications of pathogenicity. Review status: criteria provided, conflicting classifications (1 of 4 stars). 5 submissions from 5 submitters: Uncertain significance (1); Likely benign (4). Last evaluated 2025-07-29.

Conditions:
Baraitser-Winter syndrome 1 (BRWS1). Also called: PACHYGYRIA, MENTAL RETARDATION, EPILEPSY, AND CHARACTERISTIC FACIES; MENTAL RETARDATION WITH EPILEPSY AND CHARACTERISTIC FACIES; Cerebrofrontofacial syndrome; BARAITSER-WINTER SYNDROME 1, ATYPICAL. Identifiers: Orphanet 2649, Orphanet 2995, MedGen C1855722, MONDO:0009470, OMIM 243310.
ACTB-related disorder. Also called: ACTB-related condition; ACTB-related disorders.

Allele frequency attached by ClinVar (database versions not stated): gnomAD exomes below 0.00001 and 0.00001; TOPMed below 0.00001; ExAC 0.00001; gnomAD 0.00001.

Submissions (6):

PreventionGenetics, part of Exact Sciences
Classification: Likely benign for ACTB-related condition. Last evaluated: 2025-07-29. Review status: criteria provided, single submitter. Criteria: ACMG Guidelines, 2015. Collection method: clinical testing. Allele origin: germline.
Comment: This variant is classified as likely benign based on ACMG/AMP sequence variant interpretation guidelines (Richards et al. 2015 PMID: 25741868, with internal and published modifications).

CeGaT Center for Human Genetics Tuebingen
Classification: Likely benign. Last evaluated: 2024-12-01. Review status: criteria provided, single submitter. Criteria: CeGaT Center For Human Genetics Tuebingen Variant Classification Criteria Version 2. Collection method: clinical testing. Allele origin: germline. Affected: yes. Observed: 2 variant alleles.
Comment: ACTB: BP4, BP7

Labcorp Genetics (formerly Invitae), Labcorp
Classification: Likely benign for Baraitser-Winter syndrome 1. Last evaluated: 2023-12-02. Review status: criteria provided, single submitter. Criteria: Invitae Variant Classification Sherloc (09022015). Collection method: clinical testing. Allele origin: germline.

Blueprint Genetics
Classification: Likely benign. Last evaluated: 2023-05-25. Review status: criteria provided, single submitter. Criteria: ACMG Guidelines, 2015. Collection method: clinical testing. Allele origin: germline.

GeneDx
Classification: Uncertain significance. Last evaluated: 2019-08-02. Review status: criteria provided, single submitter. Criteria: GeneDx Variant Classification Process June 2021. Collection method: clinical testing. Allele origin: germline. Affected: yes.
Comment: In silico analysis, which includes splice predictors and evolutionary conservation, suggests this variant may impact gene splicing. In the absence of RNA/functional studies, the actual effect of this sequence change is unknown.; Has not been previously published as pathogenic or benign to our knowledge

Dr. Peter K. Rogan Lab, Western University
No classification provided (evidence only). Condition: Cervical cancer. Review status: no classification provided. Collection method: in vitro. Allele origin: not applicable. Functional consequence: retained intron. Not counted in ClinVar's aggregate classification.